The following is an entry in ClinVar:

NM_024652.6(LRRK1):c.1624T>C (p.Phe542Leu)

Gene: LRRK1 (leucine rich repeat kinase 1; plus strand). Cytogenetic location: 15q26.3.
Variant type: single nucleotide variant.
Coding change: c.1624T>C on transcript NM_024652.6 (MANE Select); coding-DNA position 1624, T replaced by C.
Protein change: p.Phe542Leu; replaces phenylalanine 542 with leucine.
Molecular consequence: missense variant.
Genome position (GRCh38, 1-based): chr15:101,021,067, T>C. VCF-style: chr15-101021067-T-C. GRCh37 (hg19) VCF-style: chr15-101561272-T-C.
Other names: short protein forms F542L.
Identifiers: ClinVar variation 4705103 (VCV004705103.1).

ClinVar aggregate classification (germline): Uncertain significance (1 of 4 stars; one submission).

Submission:

Labcorp Genetics (formerly Invitae), Labcorp
Classification: Uncertain significance. Last evaluated: 2025-06-15. Review status: criteria provided, single submitter. Criteria: Invitae Variant Classification Sherloc (09022015). Collection method: clinical testing. Allele origin: germline.
Comment: This sequence change replaces phenylalanine, which is neutral and non-polar, with leucine, which is neutral and non-polar, at codon 542 of the LRRK1 protein (p.Phe542Leu). This variant is not present in population databases (gnomAD no frequency). This variant has not been reported in the literature in individuals affected with LRRK1-related conditions. An algorithm developed to predict the effect of missense changes on protein structure and function (PolyPhen-2) suggests that this variant is likely to be tolerated. In summary, the available evidence is currently insufficient to determine the role of this variant in disease. Therefore, it has been classified as a Variant of Uncertain Significance.